The following is an entry in ClinVar:

ClinVar aggregate classification (germline): Uncertain significance (1 of 4 stars; one submission).

Conditions:
Hereditary cancer-predisposing syndrome. Also called: Neoplastic Syndromes, Hereditary; Tumor predisposition; Hereditary Cancer Syndrome; Hereditary neoplastic syndrome. Identifiers: Orphanet 140162, MedGen C0027672, MeSH D009386, MONDO:0015356.

gnomAD v4.1: 1 of 1,613,922 alleles (0.000062%); highest among the groups gnomAD compares: South Asian, 0.0011%; no homozygotes.

Submission:

Ambry Genetics
Classification: Uncertain significance for Hereditary cancer-predisposing syndrome. Last evaluated: 2025-10-28. Review status: criteria provided, single submitter. Criteria: Ambry Variant Classification Scheme 2023. Collection method: clinical testing. Allele origin: germline.
Comment: The p.N401S variant (also known as c.1202A>G), located in coding exon 14 of the CDC73 gene, results from an A to G substitution at nucleotide position 1202. The asparagine at codon 401 is replaced by serine, an amino acid with highly similar properties. This amino acid position is conserved. In addition, this alteration is predicted to be tolerated by in silico analysis. Based on the available evidence, the clinical significance of this variant remains unclear.

NM_024529.5(CDC73):c.1202A>G (p.Asn401Ser)

Gene: CDC73 (cell division cycle 73; plus strand). Cytogenetic location: 1q31.2.
Variant type: single nucleotide variant.
Coding change: c.1202A>G on transcript NM_024529.5 (MANE Select); coding-DNA position 1202, A replaced by G.
Protein change: p.Asn401Ser; replaces asparagine 401 with serine.
Molecular consequence: missense variant.
Genome position (GRCh38, 1-based): chr1:193,233,040, A>G. VCF-style: chr1-193233040-A-G. GRCh37 (hg19) VCF-style: chr1-193202170-A-G.
Other names: short protein forms N401S.
Identifiers: ClinVar variation 4631605 (VCV004631605.1).
Genomic context (GRCh38, chr1:193,233,040, plus strand): 5'-TGTTTTTTCAAAGATTTGTCCCATCAGATGAAAAGAAGAAACAAGGTTGTCAACGAGAAA[A>G]TGAAACTCTAATACAAAGAAGAAAAGACCAGATGCAACCAGGGGGCACTGCAATTAGTGT-3'
Protein context (NP_078805.3, residues 391-411): EKKKQGCQRE[Asn401Ser]ETLIQRRKDQ